The following is an entry in ClinVar:

ClinVar aggregate classification (germline): Uncertain significance (1 of 4 stars; one submission).

Conditions:
Aortic aneurysm, familial thoracic 4 (AAT4). Also called: AORTIC ANEURYSM/AORTIC DISSECTION AND PATENT DUCTUS ARTERIOSUS. Identifiers: MedGen C1851504, MONDO:0007568, OMIM 132900.

Submission:

Labcorp Genetics (formerly Invitae), Labcorp
Classification: Uncertain significance for Aortic aneurysm, familial thoracic 4. Last evaluated: 2025-09-12. Review status: criteria provided, single submitter. Criteria: Invitae Variant Classification Sherloc (09022015). Collection method: clinical testing. Allele origin: germline.
Comment: This sequence change replaces alanine, which is neutral and non-polar, with aspartic acid, which is acidic and polar, at codon 1502 of the MYH11 protein (p.Ala1502Asp). This variant is not present in population databases (gnomAD no frequency). This variant has not been reported in the literature in individuals affected with MYH11-related conditions. Invitae Evidence Modeling of protein sequence and biophysical properties (such as structural, functional, and spatial information, amino acid conservation, physicochemical variation, residue mobility, and thermodynamic stability) indicates that this missense variant is not expected to disrupt MYH11 protein function with a negative predictive value of 95%. In summary, the available evidence is currently insufficient to determine the role of this variant in disease. Therefore, it has been classified as a Variant of Uncertain Significance.

NM_002474.3(MYH11):c.4484C>A (p.Ala1495Asp)

Genes: NDE1 (nudE neurodevelopment protein 1; plus strand), MYH11 (myosin heavy chain 11; minus strand). Cytogenetic location: 16p13.11.
Variant type: single nucleotide variant.
Coding change: c.4484C>A on transcript NM_002474.3 (MANE Select); coding-DNA position 4484, C replaced by A.
Protein change: p.Ala1495Asp; replaces alanine 1495 with aspartic acid.
Molecular consequence: missense variant. On other transcripts: intron variant (2).
Genome position (GRCh38, 1-based): chr16:15,721,516, G>T on the plus strand (C>A on the coding strand, the complement: MYH11 is on the minus strand). VCF-style: chr16-15721516-G-T. GRCh37 (hg19) VCF-style: chr16-15815373-G-T.
Other names: c.4505C>A, p.Ala1502Asp (NM_001040113.2, NM_001040114.2); c.4484C>A, p.Ala1495Asp (NM_022844.3); c.948-2675G>T (NM_001143979.2, NM_017668.3); short protein forms A1495D, A1502D.
Identifiers: ClinVar variation 4765766 (VCV004765766.1).